The following is an entry in ClinVar:

NM_003073.5(SMARCB1):c.1119-3dup

Gene: SMARCB1 (SWI/SNF related BAF chromatin remodeling complex subunit B1; plus strand). Cytogenetic location: 22q11.23.
Variant type: Duplication.
Coding change: c.1119-3dup on transcript NM_003073.5 (MANE Select); 3 bases into the intron before coding-DNA position 1119, one base duplicated (C; older notation c.1119-3dupC).
Molecular consequence: intron variant.
Genome position (GRCh38, 1-based): chr22:23,834,138, C duplicated; the last of 2 consecutive C bases (chr22:23,834,137-23,834,138); duplicating either gives the same sequence. VCF-style (leftmost placement, unchanged base first): chr22-23834136-T-TC. GRCh37 (hg19) VCF-style: chr22-24176323-T-TC.
Other names: c.1146-3dup (NM_001317946.2); c.1173-3dup (NM_001362877.2); c.1092-3dup (NM_001007468.3).
Identifiers: ClinVar variation 3798942 (VCV003798942.2).
Genomic context (GRCh38, chr22:23,834,136, plus strand): 5'-TGGGAAGGGCAGCGCCCAGGCTGGGAGCTGGCCCCGACTCATTGCCCTCCCCACTCCTCT[T>TC]CCAGGCGGATGAGGCGTCTTGCCAACACGGCCCCGGCCTGGTAACCAGCCCATCAGCACA-3'

ClinVar aggregate classification (germline): Conflicting classifications of pathogenicity. Review status: criteria provided, conflicting classifications (1 of 4 stars). 2 submissions from 2 submitters: Uncertain significance (1); Likely benign (1). Last evaluated 2025-11-26.

Conditions:
Hereditary cancer-predisposing syndrome. Also called: Neoplastic Syndromes, Hereditary; Hereditary Cancer Syndrome; Tumor predisposition; Hereditary neoplastic syndrome. Identifiers: Orphanet 140162, MedGen C0027672, MeSH D009386, MONDO:0015356.

Submissions (2):

Labcorp Genetics (formerly Invitae), Labcorp
Classification: Likely benign. Last evaluated: 2025-11-26. Review status: criteria provided, single submitter. Criteria: Invitae Variant Classification Sherloc (09022015). Collection method: clinical testing. Allele origin: germline.

Ambry Genetics
Classification: Uncertain significance for Hereditary cancer-predisposing syndrome. Last evaluated: 2025-01-16. Review status: criteria provided, single submitter. Criteria: Ambry Variant Classification Scheme 2023. Collection method: clinical testing. Allele origin: germline.
Comment: The c.1119-3dupC intronic variant, results from a duplication of a nucleotide at position 1119-3 within intron 8 of the SMARCB1 gene. This nucleotide position is not well conserved in available vertebrate species. In silico splice site analysis predicts that this alteration will not have any significant effect on splicing. Based on the available evidence, the clinical significance of this variant remains unclear.